The following is an entry in ClinVar:

NM_020806.5(GPHN):c.716C>G (p.Ala239Gly)

Gene: GPHN (gephyrin; plus strand). Cytogenetic location: 14q23.3.
Variant type: single nucleotide variant.
Coding change: c.716C>G on transcript NM_020806.5 (MANE Select); coding-DNA position 716, C replaced by G.
Protein change: p.Ala239Gly; replaces alanine 239 with glycine.
Molecular consequence: missense variant.
Genome position (GRCh38, 1-based): chr14:66,922,925, C>G. VCF-style: chr14-66922925-C-G. GRCh37 (hg19) VCF-style: chr14-67389642-C-G.
Other names: c.716C>G, p.Ala239Gly (NM_001024218.2, NM_001377515.1, NM_001377516.1 and 2 more transcripts); c.755C>G, p.Ala252Gly (NM_001377514.1, NM_001377519.1); short protein forms A239G, A252G.
Identifiers: ClinVar variation 466212 (VCV000466212.8), dbSNP rs746967730, ClinGen allele CA7233804.
Genomic context (GRCh38, chr14:66,922,925, plus strand): 5'-AGAAAGACAGTGGTGTTGCTTCAACAGAAGATAGTTCCTCATCACATATAACTGCAGCAG[C>G]CATTGCTGCCAAGGTAAGCCTGATGAGAGTTACTCAGAGGCCTAAAGGACCCACAGGTAA-3'
Protein context (NP_065857.1, residues 229-249): DSSSSHITAA[Ala239Gly]IAAKKHPFYT

ClinVar aggregate classification (germline): Uncertain significance (1 of 4 stars; one submission).

Conditions:
Sulfite oxidase deficiency due to molybdenum cofactor deficiency type C. Also called: Molybdenum cofactor deficiency, complementation group C; Molybdenum cofactor deficiency C. Identifiers: Orphanet 308400, Orphanet 833, MedGen C1854990, MONDO:0014212, OMIM 615501.

Allele frequency attached by ClinVar (database versions not stated): gnomAD 0.00001; TOPMed 0.00001; gnomAD exomes 0.00002; ExAC 0.00002.
gnomAD v4.1: 27 of 1,611,864 alleles (0.0017%); highest among the groups gnomAD compares: Non-Finnish European, 0.0022%; no homozygotes.

Submission:

Labcorp Genetics (formerly Invitae), Labcorp
Classification: Uncertain significance for Sulfite oxidase deficiency due to molybdenum cofactor deficiency type C. Last evaluated: 2022-04-24. Review status: criteria provided, single submitter. Criteria: Invitae Variant Classification Sherloc (09022015). Collection method: clinical testing. Allele origin: germline.
Comment: In summary, the available evidence is currently insufficient to determine the role of this variant in disease. Therefore, it has been classified as a Variant of Uncertain Significance. Algorithms developed to predict the effect of missense changes on protein structure and function (SIFT, PolyPhen-2, Align-GVGD) all suggest that this variant is likely to be tolerated. ClinVar contains an entry for this variant (Variation ID: 466212). This variant has not been reported in the literature in individuals affected with GPHN-related conditions. This variant is present in population databases (rs746967730, gnomAD 0.004%). This sequence change replaces alanine, which is neutral and non-polar, with glycine, which is neutral and non-polar, at codon 239 of the GPHN protein (p.Ala239Gly).